The following is an entry in ClinVar:

NM_001370259.2(MEN1):c.884G>A (p.Arg295Gln)

Gene: MEN1 (menin 1; minus strand). Cytogenetic location: 11q13.1.
Variant type: single nucleotide variant.
Coding change: c.884G>A on transcript NM_001370259.2 (MANE Select); coding-DNA position 884, G replaced by A.
Protein change: p.Arg295Gln; replaces arginine 295 with glutamine.
Molecular consequence: missense variant.
Genome position (GRCh38, 1-based): chr11:64,807,039, C>T on the plus strand (G>A on the coding strand, the complement: MEN1 is on the minus strand). VCF-style: chr11-64807039-C-T. GRCh37 (hg19) VCF-style: chr11-64574511-C-T.
Other names: c.899G>A, p.Arg300Gln (NM_000244.4, NM_130800.3, NM_130801.3 and 3 more transcripts); c.884G>A, p.Arg295Gln (NM_001370251.2, NM_001370260.2, NM_001370261.2 and 1 more transcripts); c.779G>A, p.Arg260Gln (NM_001370262.2, NM_001370263.2); short protein forms R295Q, R300Q, R260Q.
Identifiers: ClinVar variation 457343 (VCV000457343.13), dbSNP rs1397110438, ClinGen allele CA381183538.

ClinVar aggregate classification (germline): Conflicting classifications of pathogenicity. Review status: criteria provided, conflicting classifications (1 of 4 stars). 3 submissions from 3 submitters: Uncertain significance (1); Likely benign (2). Last evaluated 2025-10-20.

Conditions:
Hereditary cancer-predisposing syndrome. Also called: Hereditary Cancer Syndrome; Hereditary neoplastic syndrome; Tumor predisposition; Neoplastic Syndromes, Hereditary. Identifiers: Orphanet 140162, MedGen C0027672, MeSH D009386, MONDO:0015356.
Multiple endocrine neoplasia, type 1 (MEN1). Also called: MEN I; WERMER SYNDROME; Endocrine adenomatosis multiple; MEN 1; MEA I. Identifiers: Orphanet 652, MedGen C0025267, MeSH D018761, MONDO:0007540, OMIM 131100.

Allele frequency attached by ClinVar (database versions not stated): gnomAD 0.00001; gnomAD exomes 0.00001 and 0.00002.
gnomAD v4.1: 6 of 1,613,134 alleles (0.00037%); highest among the groups gnomAD compares: Admixed American, 0.0033%; no homozygotes.

Submissions (3):

Labcorp Genetics (formerly Invitae), Labcorp
Classification: Likely benign for Multiple endocrine neoplasia, type 1. Last evaluated: 2025-10-20. Review status: criteria provided, single submitter. Criteria: Invitae Variant Classification Sherloc (09022015). Collection method: clinical testing. Allele origin: germline.

Color Diagnostics, LLC DBA Color Health
Classification: Uncertain significance for Multiple endocrine neoplasia, type 1. Last evaluated: 2025-09-23. Review status: criteria provided, single submitter. Criteria: ACMG Guidelines, 2015. Collection method: clinical testing. Allele origin: germline.
Comment: This missense variant replaces arginine with glutamine at codon 295 of the MEN1 protein. Computational prediction is inconclusive regarding the impact of this variant on protein structure and function. To our knowledge, functional studies have not been reported for this variant. This variant has not been reported in individuals affected with MEN1-related disorders in the literature. This variant has been identified in 4/251046 chromosomes in the general population by the Genome Aggregation Database (gnomAD). The available evidence is insufficient to determine the role of this variant in disease conclusively. Therefore, this variant is classified as a Variant of Uncertain Significance.

Ambry Genetics
Classification: Likely benign for Hereditary cancer-predisposing syndrome. Last evaluated: 2023-11-14. Review status: criteria provided, single submitter. Criteria: Ambry Variant Classification Scheme 2023. Collection method: clinical testing. Allele origin: germline.